The following is an entry in ClinVar:

ClinVar aggregate classification (germline): Uncertain significance. Review status: criteria provided, multiple submitters, no conflicts (2 of 4 stars). 3 submissions from 3 submitters: Uncertain significance (3). Last evaluated 2024-07-14.

Conditions:
Muscular dystrophy-dystroglycanopathy (congenital with brain and eye anomalies), type A, 7. Also called: WALKER-WARBURG SYNDROME OR MUSCLE-EYE-BRAIN DISEASE, ISPD-RELATED; Congenital muscular dystrophy-dystroglycanopathy with brain and eye anomalies, type A7. Identifiers: Orphanet 899, MedGen C3553330, MONDO:0013835, OMIM 614643.
Autosomal recessive limb-girdle muscular dystrophy type 2U. Also called: Muscular dystrophy-dystroglycanopathy (limb-girdle), type c, 7; MUSCULAR DYSTROPHY, LIMB-GIRDLE, TYPE 2U. Identifiers: Orphanet 352479, MedGen C5190987, MONDO:0014474, OMIM 616052.

Allele frequency attached by ClinVar (database versions not stated): gnomAD exomes 0.00001; TOPMed 0.00002.
gnomAD v4.1: 23 of 1,578,650 alleles (0.0015%); highest among the groups gnomAD compares: Non-Finnish European, 0.002%; no homozygotes.

Submissions (3):

Ambry Genetics
Classification: Uncertain significance. Last evaluated: 2024-07-14. Review status: criteria provided, single submitter. Criteria: Ambry Variant Classification Scheme 2023. Collection method: clinical testing. Allele origin: germline.

Labcorp Genetics (formerly Invitae), Labcorp
Classification: Uncertain significance for Muscular dystrophy-dystroglycanopathy (congenital with brain and eye anomalies), type A, 7; Autosomal recessive limb-girdle muscular dystrophy type 2U. Last evaluated: 2021-11-24. Review status: criteria provided, single submitter. Criteria: Invitae Variant Classification Sherloc (09022015). Collection method: clinical testing. Allele origin: germline.
Comment: This sequence change replaces histidine, which is basic and polar, with arginine, which is basic and polar, at codon 300 of the ISPD protein (p.His300Arg). This variant is present in population databases (no rsID available, gnomAD 0.003%). This variant has not been reported in the literature in individuals affected with ISPD-related conditions. ClinVar contains an entry for this variant (Variation ID: 1305085). Algorithms developed to predict the effect of missense changes on protein structure and function output the following: SIFT: "Tolerated"; PolyPhen-2: "Benign"; Align-GVGD: "Class C0". The arginine amino acid residue is found in multiple mammalian species, which suggests that this missense change does not adversely affect protein function. In summary, the available evidence is currently insufficient to determine the role of this variant in disease. Therefore, it has been classified as a Variant of Uncertain Significance.

GeneDx
Classification: Uncertain significance. Last evaluated: 2019-04-09. Review status: criteria provided, single submitter. Criteria: GeneDx Variant Classification Process June 2021. Collection method: clinical testing. Allele origin: germline. Affected: yes.
Comment: Not observed at a significant frequency in large population cohorts (Lek et al., 2016); Has not been previously published as pathogenic or benign to our knowledge

NM_001101426.4(CRPPA):c.899A>G (p.His300Arg)

Gene: CRPPA (CDP-L-ribitol pyrophosphorylase A; minus strand). Cytogenetic location: 7p21.2.
Variant type: single nucleotide variant.
Coding change: c.899A>G on transcript NM_001101426.4 (MANE Select); coding-DNA position 899, A replaced by G.
Protein change: p.His300Arg; replaces histidine 300 with arginine.
Molecular consequence: missense variant. On other transcripts: non-coding transcript variant (1).
Genome position (GRCh38, 1-based): chr7:16,278,163, T>C on the plus strand (A>G on the coding strand, the complement: CRPPA is on the minus strand). VCF-style: chr7-16278163-T-C. GRCh37 (hg19) VCF-style: chr7-16317788-T-C.
Other names: c.749A>G, p.His250Arg (NM_001101417.4); c.794A>G, p.His265Arg (NM_001368197.1); short protein forms H250R, H265R, H300R.
Identifiers: ClinVar variation 1305085 (VCV001305085.5), dbSNP rs1345477841, ClinGen allele CA367001283.